The following is an entry in ClinVar:

ClinVar aggregate classification (germline): Uncertain significance (1 of 4 stars; one submission).

gnomAD v4.1: 2 of 1,613,002 alleles (0.00012%); highest among the groups gnomAD compares: East Asian, 0.0045%; no homozygotes.

Submission:

Ambry Genetics
Classification: Uncertain significance. Last evaluated: 2025-02-01. Review status: criteria provided, single submitter. Criteria: Ambry Variant Classification Scheme 2023. Collection method: clinical testing. Allele origin: germline.
Comment: The p.R160K variant (also known as c.479G>A), located in coding exon 3 of the ATRIP gene, results from a G to A substitution at nucleotide position 479. The arginine at codon 160 is replaced by lysine, an amino acid with highly similar properties. This amino acid position is conserved. In addition, this alteration is predicted to be tolerated by in silico analysis. Based on the available evidence, the clinical significance of this variant remains unclear.

NM_130384.3(ATRIP):c.479G>A (p.Arg160Lys)

Genes: ATRIP (ATR interacting protein; plus strand), ATRIP-TREX1 (ATRIP-TREX1 readthrough; plus strand). Cytogenetic location: 3p21.31.
Variant type: single nucleotide variant.
Coding change: c.479G>A on transcript NM_130384.3 (MANE Select); coding-DNA position 479, G replaced by A.
Protein change: p.Arg160Lys; replaces arginine 160 with lysine.
Molecular consequence: missense variant. On other transcripts: non-coding transcript variant (1).
Genome position (GRCh38, 1-based): chr3:48,451,826, G>A. VCF-style: chr3-48451826-G-A. GRCh37 (hg19) VCF-style: chr3-48493232-G-A.
Other names: c.98G>A, p.Arg33Lys (NM_001271022.2); c.200G>A, p.Arg67Lys (NM_001271023.2); c.479G>A, p.Arg160Lys (NM_032166.4); short protein forms R67K, R33K, R160K.
Identifiers: ClinVar variation 3465378 (VCV003465378.2).